The following is an entry in ClinVar:

NM_001367561.1(DOCK7):c.1660dup (p.Tyr554fs)

Gene: DOCK7 (dedicator of cytokinesis 7; minus strand). Cytogenetic location: 1p31.3.
Variant type: Duplication.
Coding change: c.1660dup on transcript NM_001367561.1 (MANE Select); coding-DNA position 1660, one base duplicated (T; older notation c.1660dupT).
Protein change: p.Tyr554fs; shifts the reading frame from tyrosine 554.
Molecular consequence: frameshift variant.
Genome position (GRCh38, 1-based): chr1:62,618,728, A duplicated on the plus strand (T on the coding strand, the reverse complement: DOCK7 is on the minus strand); the first of 3 consecutive A bases (chr1:62,618,728-62,618,730); duplicating any one gives the same sequence. VCF-style (leftmost placement, unchanged base first): chr1-62618727-T-TA. GRCh37 (hg19) VCF-style: chr1-63084398-T-TA.
Other names: c.1660dup, p.Tyr554fs (NM_001271999.2, NM_001272000.2, NM_001272001.2 and 3 more transcripts); short protein forms Y554fs.
Identifiers: ClinVar variation 3657718 (VCV003657718.2).
Genomic context (GRCh38, chr1:62,618,727, plus strand): 5'-GTATCTTCTATCAGAATTCTCCAAATTAAAATCTCTTACCTGTAAGTAGTGTTTGGAACA[T>TA]AAACATCCCTTGCGGGAAACTCTAAGATTTCTCTGGTAGGTCTAACTCTACTGTCAGGGT-3'

ClinVar aggregate classification (germline): Pathogenic (1 of 4 stars; one submission).

Conditions:
Developmental and epileptic encephalopathy, 23 (DEE23). Also called: Epileptic encephalopathy, early infantile, 23. Identifiers: Orphanet 411986, MedGen C4014492, MONDO:0014371, OMIM 615859.

Submission:

Labcorp Genetics (formerly Invitae), Labcorp
Classification: Pathogenic for Developmental and epileptic encephalopathy, 23. Last evaluated: 2024-06-25. Review status: criteria provided, single submitter. Criteria: Invitae Variant Classification Sherloc (09022015). Collection method: clinical testing. Allele origin: germline.
Comment: This sequence change creates a premature translational stop signal (p.Tyr554Leufs*19) in the DOCK7 gene. It is expected to result in an absent or disrupted protein product. Loss-of-function variants in DOCK7 are known to be pathogenic (PMID: 24814191). This variant is not present in population databases (gnomAD no frequency). This variant has not been reported in the literature in individuals affected with DOCK7-related conditions. For these reasons, this variant has been classified as Pathogenic.

Literature cited by the submitters: PubMed 24814191.